The following is an entry in ClinVar:

NM_004360.5(CDH1):c.1138-15C>G

Gene: CDH1 (cadherin 1; plus strand). Cytogenetic location: 16q22.1.
Variant type: single nucleotide variant.
Coding change: c.1138-15C>G on transcript NM_004360.5 (MANE Select); 15 bases into the intron before coding-DNA position 1138, C replaced by G.
Molecular consequence: intron variant.
Genome position (GRCh38, 1-based): chr16:68,813,298, C>G. VCF-style: chr16-68813298-C-G. GRCh37 (hg19) VCF-style: chr16-68847201-C-G.
Other names: c.-478-15C>G (NM_001317185.2); c.-682-15C>G (NM_001317186.2); c.1137+1035C>G (NM_001317184.2); c.1138-15C>G (LRG_301t1).
Identifiers: ClinVar variation 548872 (VCV000548872.16), dbSNP rs752733398, ClinGen allele CA8130010.

ClinVar aggregate classification (germline): Conflicting classifications of pathogenicity. Review status: criteria provided, conflicting classifications (1 of 4 stars). 5 submissions from 5 submitters: Uncertain significance (1); Likely benign (3). 1 of the submissions does not count toward it. Last evaluated 2025-11-05.

Conditions:
Endometrial carcinoma. Also called: Endometrial carcinoma, somatic. Identifiers: MedGen C0476089, MONDO:0002447, OMIM 608089, HP:0012114.
Blepharocheilodontic syndrome 1 (BCDS1). Identifiers: Orphanet 1997, MedGen C4551988, MONDO:0054740, OMIM 119580.
Ovarian cancer. Also called: OVARIAN CANCER, SOMATIC. Identifiers: Orphanet 213500, MedGen C1140680, MONDO:0008170, OMIM 167000.
Hereditary diffuse gastric adenocarcinoma (HDGC). Also called: DIFFUSE GASTRIC AND LOBULAR BREAST CANCER SYNDROME. Identifiers: Orphanet 26106, MedGen C1708349, MONDO:0007648, OMIM 137215.
Familial cancer of breast. Also called: BREAST CANCER, FAMILIAL; Hereditary breast cancer; hereditary breast carcinoma. Identifiers: Orphanet 227535, MedGen C0346153, MONDO:0016419, OMIM 114480. Disease mechanism: loss of function.
Hereditary cancer-predisposing syndrome. Also called: Neoplastic Syndromes, Hereditary; Hereditary neoplastic syndrome; Tumor predisposition; Hereditary Cancer Syndrome. Identifiers: Orphanet 140162, MedGen C0027672, MeSH D009386, MONDO:0015356.

Allele frequency attached by ClinVar (database versions not stated): gnomAD exomes below 0.00001 and 0.00001; ExAC 0.00001; TOPMed 0.00001.
gnomAD v4.1: 6 of 1,613,722 alleles (0.00037%); highest among the groups gnomAD compares: East Asian, 0.013%; no homozygotes.

Submissions (5):

Labcorp Genetics (formerly Invitae), Labcorp
Classification: Likely benign for Hereditary diffuse gastric adenocarcinoma. Last evaluated: 2025-11-05. Review status: criteria provided, single submitter. Criteria: Invitae Variant Classification Sherloc (09022015). Collection method: clinical testing. Allele origin: germline.

Color Diagnostics, LLC DBA Color Health
Classification: Likely benign for Hereditary cancer-predisposing syndrome. Last evaluated: 2023-05-09. Review status: criteria provided, single submitter. Criteria: ACMG Guidelines, 2015. Collection method: clinical testing. Allele origin: germline.

Myriad Genetics, Inc.
Classification: Uncertain significance for Hereditary diffuse gastric adenocarcinoma. Last evaluated: 2023-03-03. Review status: criteria provided, single submitter. Criteria: Myriad Autosomal Dominant, Autosomal Recessive and X-Linked Classification Criteria (2023). Collection method: clinical testing. Allele origin: unknown.
Comment: This variant is classified as a variant of uncertain significance as there is insufficient evidence to determine its impact on protein function and/or cancer risk.

Department of Pathology and Laboratory Medicine, Sinai Health System
Classification: Likely benign for Familial cancer of breast; Blepharocheilodontic syndrome 1; Hereditary diffuse gastric adenocarcinoma; Ovarian cancer; Endometrial carcinoma. Last evaluated: 2022-07-04. Review status: criteria provided, single submitter. Criteria: ACMG Guidelines, 2015. Collection method: clinical testing. Allele origin: germline. Affected: no.

Counsyl
Classification: Likely benign for Hereditary diffuse gastric adenocarcinoma. Last evaluated: 2018-03-22. Review status: no assertion criteria provided. Collection method: clinical testing. Allele origin: unknown. Not counted in ClinVar's aggregate classification.